The following is an entry in ClinVar:

NM_173598.6(KSR2):c.2809C>T (p.Arg937Cys)

Gene: KSR2 (kinase suppressor of ras 2; minus strand). Cytogenetic location: 12q24.22.
Variant type: single nucleotide variant.
Coding change: c.2809C>T on transcript NM_173598.6 (MANE Select); coding-DNA position 2809, C replaced by T.
Protein change: p.Arg937Cys; replaces arginine 937 with cysteine.
Molecular consequence: missense variant.
Genome position (GRCh38, 1-based): chr12:117,469,699, G>A on the plus strand (C>T on the coding strand, the complement: KSR2 is on the minus strand). VCF-style: chr12-117469699-G-A. GRCh37 (hg19) VCF-style: chr12-117907504-G-A.
Other names: short protein forms R937C.
Identifiers: ClinVar variation 4979469 (VCV004979469.1).
Genomic context (GRCh38, chr12:117,469,699, plus strand): 5'-AGACATTAAGGGAGAAAACCTACTCTGCAGACTTCCAGAAATGTCCAGGGTGAGACAGGC[G>A]ACGGTTTCGCTTTGGCAGTTTCTCCAGCATGTCCATGAGCTTGGTGAAGGTAGGTCTCTC-3'
Protein context (NP_775869.4, residues 927-947): MLEKLPKRNR[Arg937Cys]LSHPGHFWKS

ClinVar aggregate classification (germline): Uncertain significance (1 of 4 stars; one submission).

Conditions:
KSR2-related disorder. Also called: KSR2-related condition.

gnomAD v4.1: 6 of 1,613,368 alleles (0.00037%); highest among the groups gnomAD compares: African/African-American, 0.0013%; no homozygotes.

Submission:

PreventionGenetics, part of Exact Sciences
Classification: Uncertain significance for KSR2-related condition. Last evaluated: 2026-03-27. Review status: criteria provided, single submitter. Criteria: ACMG Guidelines, 2015. Collection method: clinical testing. Allele origin: germline.
Comment: The KSR2 c.2722C>T variant is predicted to result in the amino acid substitution p.Arg908Cys. To our knowledge, this variant has not been reported in the literature. This variant is reported in 0.00089% of alleles in individuals of European (Non-Finnish) descent in gnomAD. At this time, the clinical significance of this variant is uncertain due to the absence of conclusive functional and genetic evidence.